The following is an entry in ClinVar:

NM_205861.3(DHDDS):c.496G>A (p.Val166Met)

Gene: DHDDS (dehydrodolichyl diphosphate synthase subunit; plus strand). Cytogenetic location: 1p36.11.
Variant type: single nucleotide variant.
Coding change: c.496G>A on transcript NM_205861.3 (MANE Select); coding-DNA position 496, G replaced by A.
Protein change: p.Val166Met; replaces valine 166 with methionine.
Molecular consequence: missense variant. On other transcripts: intron variant (1).
Genome position (GRCh38, 1-based): chr1:26,447,614, G>A. VCF-style: chr1-26447614-G-A. GRCh37 (hg19) VCF-style: chr1-26774105-G-A.
Other names: c.379G>A, p.Val127Met (NM_001243565.2); c.217G>A, p.Val73Met (NM_001319959.2); c.496G>A, p.Val166Met (NM_024887.4); c.440+1182G>A (NM_001243564.2); short protein forms V127M, V166M, V73M.
Identifiers: ClinVar variation 2117887 (VCV002117887.4), dbSNP rs2075281748, ClinGen allele CA339143312.

ClinVar aggregate classification (germline): Uncertain significance (1 of 4 stars; one submission).

Conditions:
Retinitis pigmentosa 59 (RP59). Identifiers: Orphanet 791, MedGen C3151227, MONDO:0013468, OMIM 613861.

Submission:

Labcorp Genetics (formerly Invitae), Labcorp
Classification: Uncertain significance for Retinitis pigmentosa 59. Last evaluated: 2022-03-26. Review status: criteria provided, single submitter. Criteria: Invitae Variant Classification Sherloc (09022015). Collection method: clinical testing. Allele origin: germline.
Comment: In summary, the available evidence is currently insufficient to determine the role of this variant in disease. Therefore, it has been classified as a Variant of Uncertain Significance. Algorithms developed to predict the effect of missense changes on protein structure and function (SIFT, PolyPhen-2, Align-GVGD) all suggest that this variant is likely to be tolerated. This variant has not been reported in the literature in individuals affected with DHDDS-related conditions. This variant is not present in population databases (gnomAD no frequency). This sequence change replaces valine, which is neutral and non-polar, with methionine, which is neutral and non-polar, at codon 166 of the DHDDS protein (p.Val166Met).